The following is an entry in ClinVar:

ClinVar aggregate classification (germline): Uncertain significance. Review status: criteria provided, multiple submitters, no conflicts (2 of 4 stars). 2 submissions from 2 submitters: Uncertain significance (2). Last evaluated 2025-07-23.

Conditions:
Inborn genetic diseases. Identifiers: MedGen C0950123, MeSH D030342.

Submissions (2):

GeneDx
Classification: Uncertain significance. Last evaluated: 2025-07-23. Review status: criteria provided, single submitter. Criteria: GeneDx Variant Classification Process June 2021. Collection method: clinical testing. Allele origin: germline.
Comment: Not observed at significant frequency in large population cohorts (gnomAD); In silico analysis suggests that this missense variant does not alter protein structure/function; Has not been previously published as pathogenic or benign to our knowledge

Ambry Genetics
Classification: Uncertain significance for Inborn genetic diseases. Last evaluated: 2025-02-01. Review status: criteria provided, single submitter. Criteria: Ambry Variant Classification Scheme 2023. Collection method: clinical testing. Allele origin: germline.

NM_003179.3(SYP):c.761G>A (p.Gly254Asp)

Gene: SYP (synaptophysin; minus strand). Cytogenetic location: Xp11.23.
Variant type: single nucleotide variant.
Coding change: c.761G>A on transcript NM_003179.3 (MANE Select); coding-DNA position 761, G replaced by A.
Protein change: p.Gly254Asp; replaces glycine 254 with aspartic acid.
Molecular consequence: missense variant.
Genome position (GRCh38, 1-based): chrX:49,191,618, C>T on the plus strand (G>A on the coding strand, the complement: SYP is on the minus strand). VCF-style: chrX-49191618-C-T. GRCh37 (hg19) VCF-style: chrX-49048075-C-T.
Other names: short protein forms G254D.
Identifiers: ClinVar variation 3340769 (VCV003340769.3).